The following is an entry in ClinVar:

NM_000719.7(CACNA1C):c.5806A>G (p.Ser1936Gly)

Genes: CACNA1C (calcium voltage-gated channel subunit alpha1 C; plus strand), CACNA1C-AS1 (CACNA1C antisense RNA 1; minus strand). Cytogenetic location: 12p13.33.
Variant type: single nucleotide variant.
Coding change: c.5806A>G on transcript NM_000719.7 (MANE Select); coding-DNA position 5806, A replaced by G.
Protein change: p.Ser1936Gly; replaces serine 1936 with glycine.
Molecular consequence: missense variant.
Genome position (GRCh38, 1-based): chr12:2,688,468, A>G. VCF-style: chr12-2688468-A-G. GRCh37 (hg19) VCF-style: chr12-2797634-A-G.
Other names: c.5830A>G, p.Ser1944Gly (NM_001129838.2, NM_001129837.2); c.5950A>G, p.Ser1984Gly (NM_001129827.2); c.5929A>G, p.Ser1977Gly (NM_001129829.2); c.5911A>G, p.Ser1971Gly (NM_001129830.3, NM_001167624.3); c.5890A>G, p.Ser1964Gly (NM_001129831.2); c.5866A>G, p.Ser1956Gly (NM_001129832.2); c.5863A>G, p.Ser1955Gly (NM_001129833.2, NM_001129834.2, NM_001129835.2); c.5857A>G, p.Ser1953Gly (NM_001129836.2); and 6 more; short protein forms S1925G, S1933G, S1936G, S1942G, S1944G, S1953G, S1955G, S1956G.
Identifiers: ClinVar variation 3607802 (VCV003607802.2).

ClinVar aggregate classification (germline): Uncertain significance (1 of 4 stars; one submission).

Conditions:
Long QT syndrome (LQTS). Identifiers: MedGen C0023976, MeSH D008133, MONDO:0002442. Disease mechanism: loss of function. Inheritance: Various modes of inheritance.

Submission:

Labcorp Genetics (formerly Invitae), Labcorp
Classification: Uncertain significance for Long QT syndrome. Last evaluated: 2024-12-02. Review status: criteria provided, single submitter. Criteria: Invitae Variant Classification Sherloc (09022015). Collection method: clinical testing. Allele origin: germline.
Comment: This sequence change replaces serine, which is neutral and polar, with glycine, which is neutral and non-polar, at codon 1936 of the CACNA1C protein (p.Ser1936Gly). This variant is not present in population databases (gnomAD no frequency). This variant has not been reported in the literature in individuals affected with CACNA1C-related conditions. Invitae Evidence Modeling of protein sequence and biophysical properties (such as structural, functional, and spatial information, amino acid conservation, physicochemical variation, residue mobility, and thermodynamic stability) indicates that this missense variant is not expected to disrupt CACNA1C protein function with a negative predictive value of 95%. In summary, the available evidence is currently insufficient to determine the role of this variant in disease. Therefore, it has been classified as a Variant of Uncertain Significance.